The following is an entry in ClinVar:

NM_000136.3(FANCC):c.897-221C>A

Genes: AOPEP (aminopeptidase O (putative); plus strand), FANCC (FA complementation group C; minus strand). Cytogenetic location: 9q22.32.
Variant type: single nucleotide variant.
Coding change: c.897-221C>A on transcript NM_000136.3 (MANE Select); 221 bases into the intron before coding-DNA position 897, C replaced by A.
Molecular consequence: intron variant.
Genome position (GRCh38, 1-based): chr9:95,125,406, G>T on the plus strand (C>A on the coding strand, the complement: FANCC is on the minus strand). VCF-style: chr9-95125406-G-T. GRCh37 (hg19) VCF-style: chr9-97887688-G-T.
Other names: c.897-221C>A (NM_001243743.2, NM_001243744.2).
Identifiers: ClinVar variation 679714 (VCV000679714.1), dbSNP rs114222721, ClinGen allele CA196556304.

ClinVar aggregate classification (germline): Likely benign (1 of 4 stars; one submission).

Allele frequency attached by ClinVar (database versions not stated): 1000 Genomes Project 0.00998; gnomAD 0.01056 and 0.01137; TOPMed 0.01104; 1000 Genomes Project 30x 0.01109.
gnomAD v4.1: 1,589 of 152,134 alleles (1%); highest among the groups gnomAD compares: African/African-American, 3.7%; 29 homozygotes.

Submission:

GeneDx
Classification: Likely benign. Last evaluated: 2018-06-12. Review status: criteria provided, single submitter. Criteria: GeneDx Variant Classification (06012015). Collection method: clinical testing. Allele origin: germline. Affected: yes.
Comment: This variant is considered likely benign or benign based on one or more of the following criteria: it is a conservative change, it occurs at a poorly conserved position in the protein, it is predicted to be benign by multiple in silico algorithms, and/or has population frequency not consistent with disease.